The following is an entry in ClinVar:

NM_000548.5(TSC2):c.1556G>C (p.Cys519Ser)

Gene: TSC2 (TSC complex subunit 2; plus strand). Cytogenetic location: 16p13.3.
Variant type: single nucleotide variant.
Coding change: c.1556G>C on transcript NM_000548.5 (MANE Select); coding-DNA position 1556, G replaced by C.
Protein change: p.Cys519Ser; replaces cysteine 519 with serine.
Molecular consequence: missense variant. On other transcripts: 5 prime UTR variant (1), non-coding transcript variant (5).
Genome position (GRCh38, 1-based): chr16:2,064,384, G>C. VCF-style: chr16-2064384-G-C. GRCh37 (hg19) VCF-style: chr16-2114385-G-C.
Other names: c.1556G>C, p.Cys519Ser (NM_001077183.3, NM_001114382.3, NM_001363528.2 and 6 more transcripts); c.1445G>C, p.Cys482Ser (NM_001318827.2, NM_001406670.1, NM_001406678.1); c.1409G>C, p.Cys470Ser (NM_001318829.2, NM_001406675.1, NM_001406676.1 and 1 more transcripts); c.956G>C, p.Cys319Ser (NM_001318831.2, NM_001406688.1, NM_001406680.1 and 6 more transcripts); c.1589G>C, p.Cys530Ser (NM_001318832.2); c.1646G>C, p.Cys549Ser (NM_001406667.1, NM_001406668.1); c.1544G>C, p.Cys515Ser (NM_001406671.1, NM_001406673.1); c.1499G>C, p.Cys500Ser (NM_001406677.1); and 3 more; short protein forms C319S, C470S, C530S, C365S, C519S, C549S, C482S, C500S.
Identifiers: ClinVar variation 2852190 (VCV002852190.4), dbSNP rs2151191042, ClinGen allele CA394326496.

ClinVar aggregate classification (germline): Uncertain significance. Review status: criteria provided, multiple submitters, no conflicts (2 of 4 stars). 2 submissions from 2 submitters: Uncertain significance (2). Last evaluated 2025-12-01.

Conditions:
Tuberous sclerosis 2 (TSC2). Identifiers: Orphanet 805, MedGen C1860707, MONDO:0013199, OMIM 613254.
Tuberous sclerosis syndrome (TSC). Also called: Tuberous sclerosis; Tuberous Sclerosis Complex. Identifiers: Orphanet 805, MedGen C0041341, MONDO:0001734.

Allele frequency attached by ClinVar (database versions not stated): gnomAD exomes below 0.00001.
gnomAD v4.1: 1 of 1,613,746 alleles (0.000062%); highest among the groups gnomAD compares: Non-Finnish European, 0.000085%; no homozygotes.

Submissions (2):

Labcorp Genetics (formerly Invitae), Labcorp
Classification: Uncertain significance for Tuberous sclerosis 2. Last evaluated: 2025-12-01. Review status: criteria provided, single submitter. Criteria: Invitae Variant Classification Sherloc (09022015). Collection method: clinical testing. Allele origin: germline.
Comment: This sequence change replaces cysteine, which is neutral and slightly polar, with serine, which is neutral and polar, at codon 519 of the TSC2 protein (p.Cys519Ser). This variant is not present in population databases (gnomAD no frequency). This variant has not been reported in the literature in individuals affected with TSC2-related conditions. ClinVar contains an entry for this variant (Variation ID: 2852190). Invitae Evidence Modeling of protein sequence and biophysical properties (such as structural, functional, and spatial information, amino acid conservation, physicochemical variation, residue mobility, and thermodynamic stability) indicates that this missense variant is not expected to disrupt TSC2 protein function with a negative predictive value of 95%. In summary, the available evidence is currently insufficient to determine the role of this variant in disease. Therefore, it has been classified as a Variant of Uncertain Significance.

All of Us Research Program, National Institutes of Health
Classification: Uncertain significance for Tuberous sclerosis syndrome. Last evaluated: 2023-06-26. Review status: criteria provided, single submitter. Criteria: ACMG Guidelines, 2015. Collection method: clinical testing. Allele origin: germline. Inheritance: Autosomal dominant inheritance. Observed: 1 variant allele, 1 heterozygote.
Comment: This missense variant replaces cysteine with serine at codon 519 of the TSC2 protein. Computational prediction is inconclusive regarding the impact of this variant on protein structure and function (internally defined REVEL score threshold 0.5 < inconclusive < 0.7, PMID: 27666373). To our knowledge, functional studies have not been reported for this variant. This variant has not been reported in individuals affected with TSC2-related disorders in the literature. This variant has not been identified in the general population by the Genome Aggregation Database (gnomAD). The available evidence is insufficient to determine the role of this variant in disease conclusively. Therefore, this variant is classified as a Variant of Uncertain Significance.

This study involves interpretation of variants in research participants for the purpose of population health screening. Participant phenotype was not available at the time of variant classification. Additional details can be found in publication PMID: 35346344, PMCID: PMC8962531